The following is an entry in ClinVar:

ClinVar aggregate classification (germline): Uncertain significance (1 of 4 stars; one submission).

Conditions:
POLD1-related polyposis and colorectal cancer syndrome (CRCS10). Also called: Colorectal cancer, susceptibility to, 10; Colorectal cancer 10; COLORECTAL CANCER, SUSCEPTIBILITY TO, ON CHROMOSOME 19q. Identifiers: Orphanet 220460, MedGen C2675481, MONDO:0012953, OMIM 612591.

Allele frequency attached by ClinVar (database versions not stated): gnomAD exomes below 0.00001.
gnomAD v4.1: 3 of 1,562,298 alleles (0.00019%); highest among the groups gnomAD compares: Non-Finnish European, 0.00026%; no homozygotes.

Submission:

Labcorp Genetics (formerly Invitae), Labcorp
Classification: Uncertain significance for POLD1-related polyposis and colorectal cancer syndrome. Last evaluated: 2024-10-02. Review status: criteria provided, single submitter. Criteria: Invitae Variant Classification Sherloc (09022015). Collection method: clinical testing. Allele origin: germline.
Comment: This sequence change replaces histidine, which is basic and polar, with asparagine, which is neutral and polar, at codon 988 of the POLD1 protein (p.His988Asn). This variant is not present in population databases (gnomAD no frequency). This variant has not been reported in the literature in individuals affected with POLD1-related conditions. ClinVar contains an entry for this variant (Variation ID: 1419696). Invitae Evidence Modeling of protein sequence and biophysical properties (such as structural, functional, and spatial information, amino acid conservation, physicochemical variation, residue mobility, and thermodynamic stability) indicates that this missense variant is expected to disrupt POLD1 protein function with a positive predictive value of 80%. In summary, the available evidence is currently insufficient to determine the role of this variant in disease. Therefore, it has been classified as a Variant of Uncertain Significance.

NM_002691.4(POLD1):c.2962C>A (p.His988Asn)

Gene: POLD1 (DNA polymerase delta 1, catalytic subunit; plus strand). Cytogenetic location: 19q13.33.
Variant type: single nucleotide variant.
Coding change: c.2962C>A on transcript NM_002691.4 (MANE Select); coding-DNA position 2962, C replaced by A.
Protein change: p.His988Asn; replaces histidine 988 with asparagine.
Molecular consequence: missense variant. On other transcripts: non-coding transcript variant (1).
Genome position (GRCh38, 1-based): chr19:50,416,618, C>A. VCF-style: chr19-50416618-C-A. GRCh37 (hg19) VCF-style: chr19-50919875-C-A.
Other names: c.2962C>A, p.His988Asn (NM_001256849.1); c.3040C>A, p.His1014Asn (NM_001308632.1); short protein forms H988N, H1014N.
Identifiers: ClinVar variation 1419696 (VCV001419696.8), dbSNP rs2122495467, ClinGen allele CA406986791.